The following is an entry in ClinVar:

ClinVar aggregate classification (germline): Pathogenic/Likely pathogenic. Review status: criteria provided, multiple submitters, no conflicts (2 of 4 stars). 2 submissions from 2 submitters: Pathogenic (1); Likely pathogenic (1). Last evaluated 2026-03-01.

Conditions:
Autosomal recessive nonsyndromic hearing loss 18B. Also called: Deafness, autosomal recessive 18b. Identifiers: Orphanet 90636, MedGen C3554163, MONDO:0013985, OMIM 614945.

Submissions (2):

GeneDx
Classification: Pathogenic. Last evaluated: 2026-03-01. Review status: criteria provided, single submitter. Criteria: GeneDx Variant Classification Process June 2021. Collection method: clinical testing. Allele origin: germline.
Comment: Frameshift variant predicted to result in protein truncation or nonsense mediated decay in a gene for which loss of function is a known mechanism of disease; Not observed at significant frequency in large population cohorts (gnomAD); Has not been previously published as pathogenic or benign to our knowledge

3billion
Classification: Likely pathogenic for Autosomal recessive nonsyndromic hearing loss 18B. Last evaluated: 2025-09-04. Review status: criteria provided, single submitter. Criteria: ACMG Guidelines, 2015. Collection method: clinical testing. Allele origin: germline. Affected: yes.
Comment: The variant is observed at an extremely low frequency in the gnomAD v4.1.0 dataset (total allele frequency: <0.001%). Predicted Consequence/Location: Frameshift: predicted to result in a loss or disruption of normal protein function through nonsense-mediated decay (NMD) or protein truncation. Multiple pathogenic variants are reported downstream of the variant. Therefore, this variant is classified as Likely pathogenic according to the recommendation of ACMG/AMP guideline.

NM_001292063.2(OTOG):c.3673dup (p.Arg1225fs)

Gene: OTOG (otogelin; plus strand). Cytogenetic location: 11p15.1.
Variant type: Duplication.
Coding change: c.3673dup on transcript NM_001292063.2 (MANE Select); coding-DNA position 3673, one base duplicated (C; older notation c.3673dupC).
Protein change: p.Arg1225fs; shifts the reading frame from arginine 1225.
Molecular consequence: frameshift variant.
Genome position (GRCh38, 1-based): chr11:17,596,998, C duplicated; the last of 6 consecutive C bases (chr11:17,596,993-17,596,998); duplicating any one gives the same sequence. VCF-style (leftmost placement, unchanged base first): chr11-17596992-A-AC. GRCh37 (hg19) VCF-style: chr11-17618539-A-AC.
Other names: c.3709dup (NM_001277269.1); c.3709dup, p.Arg1237fs (NM_001277269.2); short protein forms R1225fs, R1237fs.
Identifiers: ClinVar variation 4855879 (VCV004855879.2).